The following is an entry in ClinVar:

NM_001148.6(ANK2):c.639G>T (p.Gln213His)

Gene: ANK2 (ankyrin 2; plus strand). Cytogenetic location: 4q26.
Variant type: single nucleotide variant.
Coding change: c.639G>T on transcript NM_001148.6 (MANE Select); coding-DNA position 639, G replaced by T.
Protein change: p.Gln213His; replaces glutamine 213 with histidine.
Molecular consequence: missense variant.
Genome position (GRCh38, 1-based): chr4:113,237,142, G>T. VCF-style: chr4-113237142-G-T. GRCh37 (hg19) VCF-style: chr4-114158298-G-T.
Other names: c.576G>T, p.Gln192His (NM_001127493.3, NM_001354239.2, NM_001354243.2 and 33 more transcripts); c.639G>T, p.Gln213His (NM_001354225.2, NM_001354228.2, NM_001354232.2 and 9 more transcripts); c.684G>T, p.Gln228His (NM_001354230.2, NM_001354231.2, NM_001354237.2 and 5 more transcripts); c.627G>T, p.Gln209His (NM_001354269.3, NM_001386186.2, NM_001386187.2 and 1 more transcripts); c.621G>T, p.Gln207His (NM_001386160.1, NM_001354261.2, NM_001386147.1); c.690G>T, p.Gln230His (NM_001386174.1, NM_001386175.1); short protein forms Q192H, Q207H, Q209H, Q228H, Q230H, Q213H.
Identifiers: ClinVar variation 1971636 (VCV001971636.5), dbSNP rs2490391410, ClinGen allele CA357916861.

ClinVar aggregate classification (germline): Uncertain significance (1 of 4 stars; one submission).

Conditions:
Long QT syndrome (LQTS). Identifiers: MedGen C0023976, MeSH D008133, MONDO:0002442. Disease mechanism: loss of function. Inheritance: Various modes of inheritance.

Submission:

Labcorp Genetics (formerly Invitae), Labcorp
Classification: Uncertain significance for Long QT syndrome. Last evaluated: 2022-03-25. Review status: criteria provided, single submitter. Criteria: Invitae Variant Classification Sherloc (09022015). Collection method: clinical testing. Allele origin: germline.
Comment: Algorithms developed to predict the effect of missense changes on protein structure and function are either unavailable or do not agree on the potential impact of this missense change (SIFT: "Tolerated"; PolyPhen-2: "Probably Damaging"; Align-GVGD: "Class C0"). This variant has not been reported in the literature in individuals affected with ANK2-related conditions. This variant is not present in population databases (gnomAD no frequency). This sequence change replaces glutamine, which is neutral and polar, with histidine, which is basic and polar, at codon 213 of the ANK2 protein (p.Gln213His). In summary, the available evidence is currently insufficient to determine the role of this variant in disease. Therefore, it has been classified as a Variant of Uncertain Significance.